The following is an entry in ClinVar:

ClinVar aggregate classification (germline): Uncertain significance (1 of 4 stars; one submission).

Conditions:
Melanoma, cutaneous malignant, susceptibility to, 5. Also called: Cutaneous malignant melanoma 5. Identifiers: Orphanet 618, MedGen C2751295, MONDO:0013133, OMIM 613099.

gnomAD v4.1: 3 of 1,608,628 alleles (0.00019%); highest among the groups gnomAD compares: Non-Finnish European, 0.00025%; no homozygotes.

Submission:

Labcorp Genetics (formerly Invitae), Labcorp
Classification: Uncertain significance for Melanoma, cutaneous malignant, susceptibility to, 5. Last evaluated: 2024-11-06. Review status: criteria provided, single submitter. Criteria: Invitae Variant Classification Sherloc (09022015). Collection method: clinical testing. Allele origin: germline.
Comment: This sequence change replaces serine, which is neutral and polar, with threonine, which is neutral and polar, at codon 172 of the MC1R protein (p.Ser172Thr). This variant is not present in population databases (gnomAD no frequency). This variant has not been reported in the literature in individuals affected with MC1R-related conditions. Invitae Evidence Modeling of protein sequence and biophysical properties (such as structural, functional, and spatial information, amino acid conservation, physicochemical variation, residue mobility, and thermodynamic stability) indicates that this missense variant is not expected to disrupt MC1R protein function with a negative predictive value of 80%. In summary, the available evidence is currently insufficient to determine the role of this variant in disease. Therefore, it has been classified as a Variant of Uncertain Significance.

NM_002386.4(MC1R):c.515G>C (p.Ser172Thr)

Gene: MC1R (melanocortin 1 receptor; plus strand). Cytogenetic location: 16q24.3.
Variant type: single nucleotide variant.
Coding change: c.515G>C on transcript NM_002386.4 (MANE Select); coding-DNA position 515, G replaced by C.
Protein change: p.Ser172Thr; replaces serine 172 with threonine.
Molecular consequence: missense variant.
Genome position (GRCh38, 1-based): chr16:89,919,773, G>C. VCF-style: chr16-89919773-G-C. GRCh37 (hg19) VCF-style: chr16-89986181-G-C.
Other names: short protein forms S172T.
Identifiers: ClinVar variation 3692586 (VCV003692586.2).